The following is an entry in ClinVar:

NM_006030.4(CACNA2D2):c.930G>A (p.Met310Ile)

Gene: CACNA2D2 (calcium voltage-gated channel auxiliary subunit alpha2delta 2; minus strand). Cytogenetic location: 3p21.31.
Variant type: single nucleotide variant.
Coding change: c.930G>A on transcript NM_006030.4 (MANE Select); coding-DNA position 930, G replaced by A.
Protein change: p.Met310Ile; replaces methionine 310 with isoleucine.
Molecular consequence: missense variant.
Genome position (GRCh38, 1-based): chr3:50,379,788, C>T on the plus strand (G>A on the coding strand, the complement: CACNA2D2 is on the minus strand). VCF-style: chr3-50379788-C-T. GRCh37 (hg19) VCF-style: chr3-50417219-C-T.
Other names: c.930G>A, p.Met310Ile (NM_001005505.3, NM_001174051.3); c.723G>A, p.Met241Ile (NM_001291101.1); short protein forms M310I, M241I.
Identifiers: ClinVar variation 936303 (VCV000936303.5), dbSNP rs1201925194, ClinGen allele CA352938150.

ClinVar aggregate classification (germline): Uncertain significance (1 of 4 stars; one submission).

Conditions:
Developmental and epileptic encephalopathy. Identifiers: MedGen C5779964, MONDO:0100620.

Allele frequency attached by ClinVar (database versions not stated): TOPMed 0.00001; gnomAD 0.00003.
gnomAD v4.1: 4 of 1,613,830 alleles (0.00025%); highest among the groups gnomAD compares: African/African-American, 0.0027%; no homozygotes.

Submission:

Labcorp Genetics (formerly Invitae), Labcorp
Classification: Uncertain significance for Early-infantile DEE. Last evaluated: 2022-03-19. Review status: criteria provided, single submitter. Criteria: Invitae Variant Classification Sherloc (09022015). Collection method: clinical testing. Allele origin: germline.
Comment: This sequence change replaces methionine, which is neutral and non-polar, with isoleucine, which is neutral and non-polar, at codon 310 of the CACNA2D2 protein (p.Met310Ile). This variant is present in population databases (no rsID available, gnomAD 0.01%). This variant has not been reported in the literature in individuals affected with CACNA2D2-related conditions. ClinVar contains an entry for this variant (Variation ID: 936303). Algorithms developed to predict the effect of missense changes on protein structure and function are either unavailable or do not agree on the potential impact of this missense change (SIFT: "Deleterious"; PolyPhen-2: "Benign"; Align-GVGD: "Class C0"). In summary, the available evidence is currently insufficient to determine the role of this variant in disease. Therefore, it has been classified as a Variant of Uncertain Significance.